The following is an entry in ClinVar:

NM_000548.5(TSC2):c.5279_5282dup (p.Asn1762fs)

Gene: TSC2 (TSC complex subunit 2; plus strand). Cytogenetic location: 16p13.3.
Variant type: Duplication.
Coding change: c.5279_5282dup on transcript NM_000548.5 (MANE Select); coding-DNA positions 5279 to 5282, 4 bases duplicated (ACTC; older notation c.5279_5282dupACTC).
Protein change: p.Asn1762fs; shifts the reading frame from asparagine 1762.
Molecular consequence: frameshift variant.
Genome position (GRCh38, 1-based): chr16:2,088,465-2,088,468, ACTC duplicated. VCF-style (leftmost placement, unchanged base first): chr16-2088464-T-TACTC. GRCh37 (hg19) VCF-style: chr16-2138465-T-TACTC.
Other names: c.5078_5081dup, p.Asn1695fs (NM_001077183.3); c.5210_5213dup, p.Asn1739fs (NM_001114382.3); c.4970_4973dup, p.Asn1659fs (NM_001318827.2); c.4934_4937dup, p.Asn1647fs (NM_001318829.2); c.4547_4550dup, p.Asn1518fs (NM_001318831.2); c.5111_5114dup, p.Asn1706fs (NM_001318832.2); c.5081_5084dup, p.Asn1696fs (NM_001363528.2); c.5147_5150dup, p.Asn1718fs (NM_001370404.1); and 27 more; short protein forms N1695fs, N1696fs, N1706fs, N1715fs, N1647fs, N1659fs, N1762fs, N1518fs.
Identifiers: ClinVar variation 2003802 (VCV002003802.4), dbSNP rs2544511219, ClinGen allele CA2580091185.

ClinVar aggregate classification (germline): Uncertain significance (1 of 4 stars; one submission).

Conditions:
Tuberous sclerosis 2 (TSC2). Identifiers: Orphanet 805, MedGen C1860707, MONDO:0013199, OMIM 613254.

Submission:

Labcorp Genetics (formerly Invitae), Labcorp
Classification: Uncertain significance for Tuberous sclerosis 2. Last evaluated: 2024-05-15. Review status: criteria provided, single submitter. Criteria: Invitae Variant Classification Sherloc (09022015). Collection method: clinical testing. Allele origin: germline.
Comment: This sequence change creates a premature translational stop signal (p.Asn1762Leufs*14) in the TSC2 gene. While this is not anticipated to result in nonsense mediated decay, it is expected to disrupt the last 46 amino acid(s) of the TSC2 protein. This variant is not present in population databases (gnomAD no frequency). This variant has not been reported in the literature in individuals affected with TSC2-related conditions. ClinVar contains an entry for this variant (Variation ID: 2003802). Experimental studies and prediction algorithms are not available or were not evaluated, and the functional significance of this variant is currently unknown. In summary, the available evidence is currently insufficient to determine the role of this variant in disease. Therefore, it has been classified as a Variant of Uncertain Significance.